The following is an entry in ClinVar:

NM_002691.4(POLD1):c.1403A>G (p.Lys468Arg)

Gene: POLD1 (DNA polymerase delta 1, catalytic subunit; plus strand). Cytogenetic location: 19q13.33.
Variant type: single nucleotide variant.
Coding change: c.1403A>G on transcript NM_002691.4 (MANE Select); coding-DNA position 1403, A replaced by G.
Protein change: p.Lys468Arg; replaces lysine 468 with arginine.
Molecular consequence: missense variant. On other transcripts: non-coding transcript variant (1).
Genome position (GRCh38, 1-based): chr19:50,406,426, A>G. VCF-style: chr19-50406426-A-G. GRCh37 (hg19) VCF-style: chr19-50909683-A-G.
Other names: c.1403A>G, p.Lys468Arg (NM_001256849.1, NM_001308632.1); short protein forms K468R.
Identifiers: ClinVar variation 408065 (VCV000408065.30), dbSNP rs1004191319, ClinGen allele CA16616364.

ClinVar aggregate classification (germline): Uncertain significance. Review status: criteria provided, multiple submitters, no conflicts (2 of 4 stars). 9 submissions from 9 submitters: Uncertain significance (9). Last evaluated 2026-01-13.

Conditions:
POLD1-related disorder. Also called: POLD1-related disorders; POLD1-related condition.
Hereditary cancer-predisposing syndrome. Also called: Neoplastic Syndromes, Hereditary; Hereditary neoplastic syndrome; Hereditary Cancer Syndrome; Tumor predisposition. Identifiers: Orphanet 140162, MedGen C0027672, MeSH D009386, MONDO:0015356.
POLD1-related polyposis and colorectal cancer syndrome (CRCS10). Also called: Colorectal cancer, susceptibility to, 10; Colorectal cancer 10; COLORECTAL CANCER, SUSCEPTIBILITY TO, ON CHROMOSOME 19q. Identifiers: Orphanet 220460, MedGen C2675481, MONDO:0012953, OMIM 612591.
Immunodeficiency 120. Identifiers: MedGen C5935622, MONDO:0970994, OMIM 620836.
Mandibular hypoplasia-deafness-progeroid syndrome. Also called: Mandibular hypoplasia, deafness, progeroid features, and lipodystrophy syndrome. Identifiers: Orphanet 363649, MedGen C3715192, MONDO:0014157, OMIM 615381.

Allele frequency attached by ClinVar (database versions not stated): gnomAD exomes 0.00001 and 0.00002; gnomAD 0.00003; TOPMed 0.00017.
gnomAD v4.1: 20 of 1,601,344 alleles (0.0012%); highest among the groups gnomAD compares: Admixed American, 0.019%; no homozygotes.

Submissions (9):

Labcorp Genetics (formerly Invitae), Labcorp
Classification: Uncertain significance for POLD1-related polyposis and colorectal cancer syndrome. Last evaluated: 2026-01-13. Review status: criteria provided, single submitter. Criteria: Invitae Variant Classification Sherloc (09022015). Collection method: clinical testing. Allele origin: germline.
Comment: This sequence change replaces lysine, which is basic and polar, with arginine, which is basic and polar, at codon 468 of the POLD1 protein (p.Lys468Arg). This variant is present in population databases (no rsID available, gnomAD 0.01%). This variant has not been reported in the literature in individuals affected with POLD1-related conditions. ClinVar contains an entry for this variant (Variation ID: 408065). Invitae Evidence Modeling of protein sequence and biophysical properties (such as structural, functional, and spatial information, amino acid conservation, physicochemical variation, residue mobility, and thermodynamic stability) indicates that this missense variant is not expected to disrupt POLD1 protein function with a negative predictive value of 80%. In summary, the available evidence is currently insufficient to determine the role of this variant in disease. Therefore, it has been classified as a Variant of Uncertain Significance.

PreventionGenetics, part of Exact Sciences
Classification: Uncertain significance for POLD1-related condition. Last evaluated: 2025-12-19. Review status: criteria provided, single submitter. Criteria: ACMG Guidelines, 2015. Collection method: clinical testing. Allele origin: germline.
Comment: The POLD1 c.1403A>G variant is predicted to result in the amino acid substitution p.Lys468Arg. In a cohort of patients with familial colorectal cancer (CRC) and controls who reported no personal or family history of CRC, this variant was identified in the normal control population with predicted neutral effects (Table S7, Arora et al. 2015. PubMed ID: 26344056). This variant is reported in 0.011% of alleles in individuals of Ashkenazi Jewish descent in gnomAD and is interpreted in ClinVar as a variant of uncertain significance (Variation ID: 408065). At this time, the clinical significance of this variant is uncertain due to the absence of conclusive functional and genetic evidence.

Quest Diagnostics Nichols Institute San Juan Capistrano
Classification: Uncertain significance. Last evaluated: 2025-04-25. Review status: criteria provided, single submitter. Criteria: Quest Diagnostics criteria. Collection method: clinical testing. Allele origin: unknown.
Comment: The POLD1 c.1403A>G (p.Lys468Arg) variant has been reported in the published literature in a reportedly unaffected individual who did not have a personal or family history of colorectal cancer (PMID: 26344056 (2015)). The frequency of this variant in the general population (Genome Aggregation Database) is uninformative in the assessment of its pathogenicity. Analysis of this variant using bioinformatics tools for the prediction of the effect of amino acid changes on protein structure and function yielded predictions that this variant is damaging. Based on the available information, we are unable to determine the clinical significance of this variant.

Women's Health and Genetics/Laboratory Corporation of America, LabCorp
Classification: Uncertain significance. Last evaluated: 2024-12-02. Review status: criteria provided, single submitter. Criteria: LabCorp Variant Classification Summary - May 2015. Collection method: clinical testing. Allele origin: germline.
Comment: Variant summary: POLD1 c.1403A>G (p.Lys468Arg) results in a conservative amino acid change located in the DNA polymerase family B, exonuclease domain (IPR006133) of the encoded protein sequence. Three of five in-silico tools predict a damaging effect of the variant on protein function. The variant allele was found at a frequency of 1.8e-05 in 224712 control chromosomes. The available data on variant occurrences in the general population are insufficient to allow any conclusion about variant significance. c.1403A>G has been reported in the literature in at least one control individual not affected with colorectal cancer (e.g. Arora_2015). This report does not provide unequivocal conclusions about association of the variant with Mandibular Hypoplasia, Deafness, Progeroid Features, And Lipodystrophy Syndrome. To our knowledge, no experimental evidence demonstrating an impact on protein function has been reported. The following publication has been ascertained in the context of this evaluation (PMID: 26344056). ClinVar contains an entry for this variant (Variation ID: 408065). Based on the evidence outlined above, the variant was classified as uncertain significance.

Ambry Genetics
Classification: Uncertain significance for Hereditary cancer-predisposing syndrome. Last evaluated: 2024-08-12. Review status: criteria provided, single submitter. Criteria: Ambry Variant Classification Scheme 2023. Collection method: clinical testing. Allele origin: germline.
Comment: The p.K468R variant (also known as c.1403A>G), located in coding exon 11 of the POLD1 gene, results from an A to G substitution at nucleotide position 1403. The lysine at codon 468 is replaced by arginine, an amino acid with highly similar properties. This alteration has been reported in at least one of 1508 control individuals who denied a personal or family history of colorectal cancer (Arora S et al. Gastroenterology, 2015 Dec;149:1872-1883.e9). This amino acid position is highly conserved in available vertebrate species. In addition, this alteration is predicted to be tolerated by in silico analysis. Since supporting evidence is limited at this time, the clinical significance of this alteration remains unclear.

GeneDx
Classification: Uncertain significance. Last evaluated: 2024-07-12. Review status: criteria provided, single submitter. Criteria: GeneDx Variant Classification Process June 2021. Collection method: clinical testing. Allele origin: germline. Affected: yes.
Comment: Not observed at significant frequency in large population cohorts (gnomAD); In silico analysis supports that this missense variant has a deleterious effect on protein structure/function; Absent from cases but observed in healthy controls without personal or family history of colorectal cancer (PMID: 26344056); This variant is associated with the following publications: (PMID: 26344056, 20951805)

Fulgent Genetics
Classification: Uncertain significance for POLD1-related polyposis and colorectal cancer syndrome; Mandibular hypoplasia-deafness-progeroid syndrome; Immunodeficiency 120. Last evaluated: 2024-03-26. Review status: criteria provided, single submitter. Criteria: ACMG Guidelines, 2015. Collection method: clinical testing. Allele origin: germline.

Baylor Genetics
Classification: Uncertain significance for POLD1-related polyposis and colorectal cancer syndrome. Last evaluated: 2024-03-24. Review status: criteria provided, single submitter. Criteria: ACMG Guidelines, 2015. Collection method: clinical testing. Allele origin: unknown.

Sema4
Classification: Uncertain significance for Hereditary cancer-predisposing syndrome. Last evaluated: 2021-09-03. Review status: criteria provided, single submitter. Criteria: Sema4 Curation Guidelines. Collection method: curation. Allele origin: germline.
Comment: To the best of our knowledge, the POLD1 c.1403A>G (p.K468R) variant has not been reported in individuals with POLD1-related disease. It was observed in 4/224712 chromosomes in the large and broad cohorts of the Genome Aggregation Database (PMID: 32461654). The variant has been reported in ClinVar (Variation ID: 408065). Functional studies have not been performed, and in silico predictions of the variant's effect on protein function are inconclusive. The evidence is insufficient to meet ACMG/AMP criteria for classifying the variant as benign or pathogenic. Thus, the clinical significance of this variant is currently uncertain.

Literature cited by the submitters: PubMed 26344056 (cited by 3 submitters).